The following is an entry in ClinVar:

ClinVar aggregate classification (germline): Likely benign (1 of 4 stars; one submission).

Conditions:
SEMA3G-related disorder. Also called: SEMA3G-related condition.

gnomAD v4.1: 8 of 1,614,076 alleles (0.0005%); highest among the groups gnomAD compares: Non-Finnish European, 0.00059%; no homozygotes.

Submission:

PreventionGenetics, part of Exact Sciences
Classification: Likely benign for SEMA3G-related condition. Last evaluated: 2024-12-26. Review status: criteria provided, single submitter. Criteria: ACMG Guidelines, 2015. Collection method: clinical testing. Allele origin: germline.
Comment: This variant is classified as likely benign based on ACMG/AMP sequence variant interpretation guidelines (Richards et al. 2015 PMID: 25741868, with internal and published modifications).

NM_020163.3(SEMA3G):c.2238G>A (p.Arg746=)

Gene: SEMA3G (semaphorin 3G; minus strand). Cytogenetic location: 3p21.1.
Variant type: single nucleotide variant.
Coding change: c.2238G>A on transcript NM_020163.3 (MANE Select); coding-DNA position 2238, G replaced by A.
Protein change: p.Arg746=; no amino-acid change (arginine 746 retained).
Molecular consequence: synonymous variant.
Genome position (GRCh38, 1-based): chr3:52,435,714, C>T on the plus strand (G>A on the coding strand, the complement: SEMA3G is on the minus strand). VCF-style: chr3-52435714-C-T. GRCh37 (hg19) VCF-style: chr3-52469730-C-T.
Identifiers: ClinVar variation 4977563 (VCV004977563.1).